The following is an entry in ClinVar:

ClinVar aggregate classification (germline): Uncertain significance. Review status: criteria provided, multiple submitters, no conflicts (2 of 4 stars). 2 submissions from 2 submitters: Uncertain significance (2). Last evaluated 2025-11-03.

Conditions:
Hereditary cancer-predisposing syndrome. Also called: Neoplastic Syndromes, Hereditary; Tumor predisposition; Hereditary neoplastic syndrome; Hereditary Cancer Syndrome. Identifiers: Orphanet 140162, MedGen C0027672, MeSH D009386, MONDO:0015356.

Submissions (2):

Ambry Genetics
Classification: Uncertain significance for Hereditary cancer-predisposing syndrome. Last evaluated: 2025-11-03. Review status: criteria provided, single submitter. Criteria: Ambry Variant Classification Scheme 2023. Collection method: clinical testing. Allele origin: germline.
Comment: The p.Y224C variant (also known as c.671A>G), located in coding exon 7 of the POLE gene, results from an A to G substitution at nucleotide position 671. The tyrosine at codon 224 is replaced by cysteine, an amino acid with highly dissimilar properties. This amino acid position is highly conserved in available vertebrate species. In addition, the in silico prediction for this alteration is inconclusive. Based on the available evidence, the clinical significance of this variant remains unclear.

Blueprint Genetics
Classification: Uncertain significance. Last evaluated: 2023-03-27. Review status: criteria provided, single submitter. Criteria: ACMG Guidelines, 2015. Collection method: clinical testing. Allele origin: germline.

NM_006231.4(POLE):c.671A>G (p.Tyr224Cys)

Gene: POLE (DNA polymerase epsilon, catalytic subunit; minus strand). Cytogenetic location: 12q24.33.
Variant type: single nucleotide variant.
Coding change: c.671A>G on transcript NM_006231.4 (MANE Select); coding-DNA position 671, A replaced by G.
Protein change: p.Tyr224Cys; replaces tyrosine 224 with cysteine.
Molecular consequence: missense variant.
Genome position (GRCh38, 1-based): chr12:132,677,627, T>C on the plus strand (A>G on the coding strand, the complement: POLE is on the minus strand). VCF-style: chr12-132677627-T-C. GRCh37 (hg19) VCF-style: chr12-133254213-T-C.
Other names: short protein forms Y224C.
Identifiers: ClinVar variation 4671337 (VCV004671337.2).
Genomic context (GRCh38, chr12:132,677,627, plus strand): 5'-GCCCCACTCACCACGTGGATCTTCAGGTCAATGGAGAGGCGGATGTGGTAGGGAACATCG[T>C]ACTCGCGCATGTCCACAATGTTGTCCAACTGGTCAGCTATCTTCTTAGAGGTTTCCTCTT-3'
Protein context (NP_006222.2, residues 214-234): QLDNIVDMRE[Tyr224Cys]DVPYHIRLSI